The following is an entry in ClinVar:

NM_004999.4(MYO6):c.217C>G (p.Leu73Val)

Gene: MYO6 (myosin VI; plus strand). Cytogenetic location: 6q14.1.
Variant type: single nucleotide variant.
Coding change: c.217C>G on transcript NM_004999.4 (MANE Select); coding-DNA position 217, C replaced by G.
Protein change: p.Leu73Val; replaces leucine 73 with valine.
Molecular consequence: missense variant. On other transcripts: non-coding transcript variant (2).
Genome position (GRCh38, 1-based): chr6:75,828,569, C>G. VCF-style: chr6-75828569-C-G. GRCh37 (hg19) VCF-style: chr6-76538286-C-G.
Other names: c.217C>G, p.Leu73Val (NM_001300899.2, NM_001368136.1, NM_001368137.1 and 5 more transcripts); short protein forms L73V.
Identifiers: ClinVar variation 505686 (VCV000505686.8), dbSNP rs759372006, ClinGen allele CA3896767.

ClinVar aggregate classification (germline): Uncertain significance. Review status: criteria provided, multiple submitters, no conflicts (2 of 4 stars). 2 submissions from 2 submitters: Uncertain significance (2). Last evaluated 2022-10-11.

Allele frequency attached by ClinVar (database versions not stated): ExAC 0.00001; gnomAD exomes 0.00001 and 0.00002.
gnomAD v4.1: 7 of 1,582,344 alleles (0.00044%); highest among the groups gnomAD compares: East Asian, 0.016%; no homozygotes.

Submissions (2):

Labcorp Genetics (formerly Invitae), Labcorp
Classification: Uncertain significance. Last evaluated: 2022-10-11. Review status: criteria provided, single submitter. Criteria: Invitae Variant Classification Sherloc (09022015). Collection method: clinical testing. Allele origin: germline.
Comment: Advanced modeling of protein sequence and biophysical properties (such as structural, functional, and spatial information, amino acid conservation, physicochemical variation, residue mobility, and thermodynamic stability) performed at Invitae indicates that this missense variant is not expected to disrupt MYO6 protein function. ClinVar contains an entry for this variant (Variation ID: 505686). This variant has not been reported in the literature in individuals affected with MYO6-related conditions. This variant is present in population databases (rs759372006, gnomAD 0.03%). This sequence change replaces leucine, which is neutral and non-polar, with valine, which is neutral and non-polar, at codon 73 of the MYO6 protein (p.Leu73Val). In summary, the available evidence is currently insufficient to determine the role of this variant in disease. Therefore, it has been classified as a Variant of Uncertain Significance.

Laboratory for Molecular Medicine, Mass General Brigham Personalized Medicine
Classification: Uncertain significance. Last evaluated: 2017-04-20. Review status: criteria provided, single submitter. Criteria: LMM Criteria. Collection method: clinical testing. Allele origin: germline. Observed: 1 variant allele.
Comment: The p.Leu73Val variant in MYO6 has not been previously reported in individuals w ith hearing loss, but has been identified in 5/17242 East Asian chromosomes by t he Genome Aggregation Database (gnomAD; dbSNP rs759372006). Although this variant has been seen in the general population, its frequency is not high enough to rule out a pathogenic role. Computational predi ction tools and conservation analyses do not provide strong support for or again st an impact to the protein. In summary, the clinical significance of the p.Leu7 3Val variant is uncertain.